The following is an entry in ClinVar:

NM_005585.5(SMAD6):c.953-1G>A

Gene: SMAD6 (SMAD family member 6; plus strand). Cytogenetic location: 15q22.31.
Variant type: single nucleotide variant.
Coding change: c.953-1G>A on transcript NM_005585.5 (MANE Select); the canonical splice acceptor site of the intron before coding-DNA position 953, G replaced by A.
Molecular consequence: splice acceptor variant.
Genome position (GRCh38, 1-based): chr15:66,780,996, G>A. VCF-style: chr15-66780996-G-A. GRCh37 (hg19) VCF-style: chr15-67073334-G-A.
Identifiers: ClinVar variation 2662629 (VCV002662629.1), dbSNP rs1567115738, ClinGen allele CA393201539.

ClinVar aggregate classification (germline): Pathogenic (1 of 4 stars; one submission).

Submission:

GeneDx
Classification: Pathogenic. Last evaluated: 2023-04-18. Review status: criteria provided, single submitter. Criteria: GeneDx Variant Classification Process June 2021. Collection method: clinical testing. Allele origin: germline. Affected: yes.
Comment: Canonical splice site variant predicted to result in a null allele in a gene for which loss of function is a known mechanism of disease; Not observed at significant frequency in large population cohorts (gnomAD); Has not been previously published as pathogenic or benign to our knowledge